The following is an entry in ClinVar:

ClinVar aggregate classification (germline): Uncertain significance (1 of 4 stars; one submission).

Conditions:
SAMD9L-related disorder. Also called: SAMD9L-related condition; SAMD9L-related disorders.

gnomAD v4.1: 2 of 1,613,012 alleles (0.00012%); highest among the groups gnomAD compares: Non-Finnish European, 0.00017%; no homozygotes.

Submission:

PreventionGenetics, part of Exact Sciences
Classification: Uncertain significance for SAMD9L-related condition. Last evaluated: 2025-09-10. Review status: criteria provided, single submitter. Criteria: ACMG Guidelines, 2015. Collection method: clinical testing. Allele origin: germline.
Comment: The SAMD9L c.2893G>A variant is predicted to result in the amino acid substitution p.Gly965Arg. To our knowledge, this variant has not been reported in the literature or in a large population database (gnomAD), indicating this variant is rare. At this time, the clinical significance of this variant is uncertain due to the absence of conclusive functional and genetic evidence.

NM_152703.5(SAMD9L):c.2893G>A (p.Gly965Arg)

Gene: SAMD9L (sterile alpha motif domain containing 9 like; minus strand). Cytogenetic location: 7q21.2.
Variant type: single nucleotide variant.
Coding change: c.2893G>A on transcript NM_152703.5 (MANE Select); coding-DNA position 2893, G replaced by A.
Protein change: p.Gly965Arg; replaces glycine 965 with arginine.
Molecular consequence: missense variant.
Genome position (GRCh38, 1-based): chr7:93,133,079, C>T on the plus strand (G>A on the coding strand, the complement: SAMD9L is on the minus strand). VCF-style: chr7-93133079-C-T. GRCh37 (hg19) VCF-style: chr7-92762392-C-T.
Other names: c.2893G>A, p.Gly965Arg (NM_001303496.3, NM_001303497.3, NM_001303498.3 and 5 more transcripts); short protein forms G965R.
Identifiers: ClinVar variation 4991595 (VCV004991595.1).